The following is an entry in ClinVar:

NM_000064.4(C3):c.763A>T (p.Ile255Phe)

Gene: C3 (complement C3; minus strand). Cytogenetic location: 19p13.3.
Variant type: single nucleotide variant.
Coding change: c.763A>T on transcript NM_000064.4 (MANE Select); coding-DNA position 763, A replaced by T.
Protein change: p.Ile255Phe; replaces isoleucine 255 with phenylalanine.
Molecular consequence: missense variant.
Genome position (GRCh38, 1-based): chr19:6,714,002, T>A on the plus strand (A>T on the coding strand, the complement: C3 is on the minus strand). VCF-style: chr19-6714002-T-A. GRCh37 (hg19) VCF-style: chr19-6714013-T-A.
Other names: short protein forms I255F.
Identifiers: ClinVar variation 3639899 (VCV003639899.2).

ClinVar aggregate classification (germline): Uncertain significance (1 of 4 stars; one submission).

Submission:

Labcorp Genetics (formerly Invitae), Labcorp
Classification: Uncertain significance. Last evaluated: 2024-02-09. Review status: criteria provided, single submitter. Criteria: Invitae Variant Classification Sherloc (09022015). Collection method: clinical testing. Allele origin: germline.
Comment: This sequence change replaces isoleucine, which is neutral and non-polar, with phenylalanine, which is neutral and non-polar, at codon 255 of the C3 protein (p.Ile255Phe). This variant is not present in population databases (gnomAD no frequency). This variant has not been reported in the literature in individuals affected with C3-related conditions. Advanced modeling of protein sequence and biophysical properties (such as structural, functional, and spatial information, amino acid conservation, physicochemical variation, residue mobility, and thermodynamic stability) performed at Invitae indicates that this missense variant is expected to disrupt C3 protein function with a positive predictive value of 80%. In summary, the available evidence is currently insufficient to determine the role of this variant in disease. Therefore, it has been classified as a Variant of Uncertain Significance.